The following is an entry in ClinVar:

NM_000261.2(MYOC):c.731G>C (p.Gly244Ala)

Gene: MYOC (myocilin; minus strand). Cytogenetic location: 1q24.3.
Variant type: single nucleotide variant.
Coding change: c.731G>C on transcript NM_000261.2 (MANE Select); coding-DNA position 731, G replaced by C.
Protein change: p.Gly244Ala; replaces glycine 244 with alanine.
Molecular consequence: missense variant.
Genome position (GRCh38, 1-based): chr1:171,636,709, C>G on the plus strand (G>C on the coding strand, the complement: MYOC is on the minus strand). VCF-style: chr1-171636709-C-G. GRCh37 (hg19) VCF-style: chr1-171605849-C-G.
Other names: NM_000261.2:c.731G>C; short protein forms G244A.
Identifiers: ClinVar variation 2570627 (VCV002570627.2), dbSNP rs757769997, ClinGen allele CA343726308.

ClinVar aggregate classification (germline): Uncertain significance (3 of 4 stars; one submission).

Conditions:
Open-angle glaucoma. Identifiers: MedGen C0017612, MONDO:0005338, HP:0012108.

Submission:

ClinGen Glaucoma Variant Curation Expert Panel
Classification: Uncertain significance for Open-angle glaucoma. Last evaluated: 2025-12-03. Review status: reviewed by expert panel. Criteria: ClinGen Glaucoma ACMG Specifications V2.0.0 Approved. Collection method: curation. Allele origin: germline. Inheritance: Autosomal dominant inheritance.
Comment: The c.731G>C variant in MYOC is a missense variant predicted to cause substitution of Glycine by Alanine at amino acid 244 (p.Gly244Ala). This variant was not found in any genetic ancestry group of gnomAD (v4.1.0), meeting the ≤ 0.0001 threshold set for PM2_Supporting in a genetic ancestry group of at least 10,000 alleles. The REVEL score = 0.629, which was neither above nor below the thresholds for PP3 (≥ 0.644) or BP4 (≤ 0.290), predicting a damaging or benign impact on MYOC function. There was no functional evidence predicting a damaging or benign impact of this variant on MYOC function. Only 1 proband with juvenile open angle glaucoma had been reported (PMID: 12442283), not meeting the ≥ 2 probands threshold required to meet PS4_Supporting. In summary, this variant met the criteria to receive a score of 1 and to be classified as a variant of uncertain significance (uncertain significance classification range -1 to 5, adapted from PMID: 32720330) for juvenile open angle glaucoma based on the ACMG/AMP criteria met, as specified by the ClinGen Glaucoma VCEP (v2.0.0, 5 Dec 2024): PM2_Supporting.